The following is an entry in ClinVar:

ClinVar aggregate classification (germline): Uncertain significance. Review status: criteria provided, multiple submitters, no conflicts (2 of 4 stars). 5 submissions from 5 submitters: Uncertain significance (4). 1 of the submissions does not count toward it. Last evaluated 2025-08-24.

Conditions:
Familial hypercholesterolemia. Also called: Familial hypercholesterolaemia; Familial hypercholesterolemias. Identifiers: MedGen C0020445, MONDO:0005439.
Cardiovascular phenotype. Identifiers: MedGen CN230736.
Hypercholesterolemia, familial, 4 (FHCL4). Also called: HYPERCHOLESTEROLEMIA, AUTOSOMAL RECESSIVE, 1; HYPERCHOLESTEROLEMIA, AUTOSOMAL RECESSIVE, 2. Identifiers: Orphanet 391665, MedGen C1863512, MONDO:0011374, OMIM 603813.

Allele frequency attached by ClinVar (database versions not stated): gnomAD exomes 0.00001 and 0.00002; ExAC 0.00002.
gnomAD v4.1: 22 of 1,613,976 alleles (0.0014%); highest among the groups gnomAD compares: Admixed American, 0.0017%; no homozygotes.

Submissions (5):

Ambry Genetics
Classification: Uncertain significance for Cardiovascular phenotype. Last evaluated: 2025-08-24. Review status: criteria provided, single submitter. Criteria: Ambry Variant Classification Scheme 2023. Collection method: clinical testing. Allele origin: germline.
Comment: The p.P237L variant (also known as c.710C>T), located in coding exon 7 of the LDLRAP1 gene, results from a C to T substitution at nucleotide position 710. The proline at codon 237 is replaced by leucine, an amino acid with similar properties. This amino acid position is conserved. In addition, this alteration is predicted to be tolerated by in silico analysis. Since supporting evidence is limited at this time, the clinical significance of this alteration remains unclear.

Women's Health and Genetics/Laboratory Corporation of America, LabCorp
Classification: Uncertain significance. Last evaluated: 2023-08-07. Review status: criteria provided, single submitter. Criteria: LabCorp Variant Classification Summary - May 2015. Collection method: clinical testing. Allele origin: germline.

Genome-Nilou Lab
Classification: Uncertain significance for Hypercholesterolemia, familial, 4. Last evaluated: 2023-04-11. Review status: criteria provided, single submitter. Criteria: ACMG Guidelines, 2015. Collection method: clinical testing. Allele origin: germline. Affected: no.

Labcorp Genetics (formerly Invitae), Labcorp
Classification: Uncertain significance for Hypercholesterolemia, familial, 4. Last evaluated: 2021-08-20. Review status: criteria provided, single submitter. Criteria: Invitae Variant Classification Sherloc (09022015). Collection method: clinical testing. Allele origin: germline.
Comment: This sequence change replaces proline with leucine at codon 237 of the LDLRAP1 protein (p.Pro237Leu). The proline residue is weakly conserved and there is a moderate physicochemical difference between proline and leucine. This variant is present in population databases (rs746229586, ExAC 0.006%). This variant has not been reported in the literature in individuals affected with LDLRAP1-related conditions. Algorithms developed to predict the effect of missense changes on protein structure and function output the following: SIFT: "Tolerated"; PolyPhen-2: "Benign"; Align-GVGD: "Class C0". The leucine amino acid residue is found in multiple mammalian species, which suggests that this missense change does not adversely affect protein function. In summary, the available evidence is currently insufficient to determine the role of this variant in disease. Therefore, it has been classified as a Variant of Uncertain Significance.

Natera, Inc.
Classification: Uncertain significance for Familial hypercholesterolemia. Last evaluated: 2020-09-16. Review status: no assertion criteria provided. Collection method: clinical testing. Allele origin: germline. Not counted in ClinVar's aggregate classification.

NM_015627.3(LDLRAP1):c.710C>T (p.Pro237Leu)

Gene: LDLRAP1 (low density lipoprotein receptor adaptor protein 1; plus strand). Cytogenetic location: 1p36.11.
Variant type: single nucleotide variant.
Coding change: c.710C>T on transcript NM_015627.3 (MANE Select); coding-DNA position 710, C replaced by T.
Protein change: p.Pro237Leu; replaces proline 237 with leucine.
Molecular consequence: missense variant.
Genome position (GRCh38, 1-based): chr1:25,563,754, C>T. VCF-style: chr1-25563754-C-T. GRCh37 (hg19) VCF-style: chr1-25890245-C-T.
Other names: short protein forms P237L.
Identifiers: ClinVar variation 641308 (VCV000641308.8), dbSNP rs746229586, ClinGen allele CA695696.